The following is an entry in ClinVar:

NM_001400225.1(MGA):c.7016G>A (p.Gly2339Glu)

Gene: MGA (MAX dimerization protein MGA; plus strand). Cytogenetic location: 15q15.1.
Variant type: single nucleotide variant.
Coding change: c.7016G>A on transcript NM_001400225.1 (MANE Select); coding-DNA position 7016, G replaced by A.
Protein change: p.Gly2339Glu; replaces glycine 2339 with glutamic acid.
Molecular consequence: missense variant. On other transcripts: intron variant (1).
Genome position (GRCh38, 1-based): chr15:41,750,476, G>A. VCF-style: chr15-41750476-G-A. GRCh37 (hg19) VCF-style: chr15-42042674-G-A.
Other names: c.6242G>A, p.Gly2081Glu (NM_001080541.3); c.6869G>A, p.Gly2290Glu (NM_001164273.2); c.4105-3961G>A (NM_001400242.1); short protein forms G2081E, G2290E, G2339E.
Identifiers: ClinVar variation 4070830 (VCV004070830.1).

ClinVar aggregate classification (germline): Uncertain significance (1 of 4 stars; one submission).

Submission:

GeneDx
Classification: Uncertain significance. Last evaluated: 2025-01-21. Review status: criteria provided, single submitter. Criteria: GeneDx Variant Classification Process June 2021. Collection method: clinical testing. Allele origin: germline. Affected: yes.
Comment: Not observed at significant frequency in large population cohorts (gnomAD); In silico analysis indicates that this missense variant does not alter protein structure/function; In silico analysis suggests this variant may impact gene splicing. In the absence of RNA/functional studies, the actual effect of this sequence change is unknown.; Has not been previously published as pathogenic or benign to our knowledge